The following is an entry in ClinVar:

NM_000428.3(LTBP2):c.2655C>G (p.Cys885Trp)

Gene: LTBP2 (latent transforming growth factor beta binding protein 2; minus strand). Cytogenetic location: 14q24.3.
Variant type: single nucleotide variant.
Coding change: c.2655C>G on transcript NM_000428.3 (MANE Select); coding-DNA position 2655, C replaced by G.
Protein change: p.Cys885Trp; replaces cysteine 885 with tryptophan.
Molecular consequence: missense variant.
Genome position (GRCh38, 1-based): chr14:74,522,794, G>C on the plus strand (C>G on the coding strand, the complement: LTBP2 is on the minus strand). VCF-style: chr14-74522794-G-C. GRCh37 (hg19) VCF-style: chr14-74989497-G-C.
Other names: short protein forms C885W.
Identifiers: ClinVar variation 2126465 (VCV002126465.4), dbSNP rs2506148839, ClinGen allele CA390392162.

ClinVar aggregate classification (germline): Uncertain significance (1 of 4 stars; one submission).

Submission:

Labcorp Genetics (formerly Invitae), Labcorp
Classification: Uncertain significance. Last evaluated: 2022-04-15. Review status: criteria provided, single submitter. Criteria: Invitae Variant Classification Sherloc (09022015). Collection method: clinical testing. Allele origin: germline.
Comment: This variant has not been reported in the literature in individuals affected with LTBP2-related conditions. This variant is not present in population databases (gnomAD no frequency). This sequence change replaces cysteine, which is neutral and slightly polar, with tryptophan, which is neutral and slightly polar, at codon 885 of the LTBP2 protein (p.Cys885Trp). Algorithms developed to predict the effect of missense changes on protein structure and function (SIFT, PolyPhen-2, Align-GVGD) all suggest that this variant is likely to be disruptive. In summary, the available evidence is currently insufficient to determine the role of this variant in disease. Therefore, it has been classified as a Variant of Uncertain Significance.